The following is an entry in ClinVar:

NM_015910.7(WDPCP):c.1748+18366G>A

Gene: WDPCP (WD repeat containing planar cell polarity effector; minus strand). Cytogenetic location: 2p15.
Variant type: single nucleotide variant.
Coding change: c.1748+18366G>A on transcript NM_015910.7 (MANE Select); 18366 bases into the intron after coding-DNA position 1748, G replaced by A.
Molecular consequence: intron variant. On other transcripts: missense variant (1).
Genome position (GRCh38, 1-based): chr2:63,360,020, C>T on the plus strand (G>A on the coding strand, the complement: WDPCP is on the minus strand). VCF-style: chr2-63360020-C-T. GRCh37 (hg19) VCF-style: chr2-63587155-C-T.
Other names: c.1805G>A, p.Cys602Tyr (NM_001354045.2); c.1676+18366G>A (NM_001354044.2); c.1271+18366G>A (NM_001042692.3); short protein forms C602Y.
Identifiers: ClinVar variation 3061027 (VCV003061027.2), dbSNP rs148533396, ClinGen allele CA11319397.

ClinVar aggregate classification (germline): Benign (0 of 4 stars; one submission).

Conditions:
WDPCP-related disorder. Also called: WDPCP-related condition.

Allele frequency attached by ClinVar (database versions not stated): 1000 Genomes Project 30x 0.01140; 1000 Genomes Project 0.01158; TOPMed 0.01802; gnomAD 0.01840.

Submission:

PreventionGenetics, part of Exact Sciences
Classification: Benign for WDPCP-related condition. Last evaluated: 2019-03-11. Review status: no assertion criteria provided. Collection method: clinical testing. Allele origin: germline.
Comment: This variant is classified as benign based on ACMG/AMP sequence variant interpretation guidelines (Richards et al. 2015 PMID: 25741868, with internal and published modifications).